The following is an entry in ClinVar:

NM_001364905.1(LRBA):c.3752C>T (p.Thr1251Ile)

Gene: LRBA (LPS responsive beige-like anchor protein; minus strand). Cytogenetic location: 4q31.3.
Variant type: single nucleotide variant.
Coding change: c.3752C>T on transcript NM_001364905.1 (MANE Select); coding-DNA position 3752, C replaced by T.
Protein change: p.Thr1251Ile; replaces threonine 1251 with isoleucine.
Molecular consequence: missense variant.
Genome position (GRCh38, 1-based): chr4:150,851,958, G>A on the plus strand (C>T on the coding strand, the complement: LRBA is on the minus strand). VCF-style: chr4-150851958-G-A. GRCh37 (hg19) VCF-style: chr4-151773110-G-A.
Other names: c.3752C>T, p.Thr1251Ile (NM_001199282.3, NM_001367550.1, NM_006726.5); short protein forms T1251I.
Identifiers: ClinVar variation 1481148 (VCV001481148.8), dbSNP rs2126919908, ClinGen allele CA358456367.

ClinVar aggregate classification (germline): Uncertain significance (1 of 4 stars; one submission).

Conditions:
Combined immunodeficiency due to LRBA deficiency. Also called: Common variable immunodeficiency 8, with autoimmunity. Identifiers: Orphanet 445018, MedGen C3553512, MONDO:0013863, OMIM 614700.

Submission:

Labcorp Genetics (formerly Invitae), Labcorp
Classification: Uncertain significance for Combined immunodeficiency due to LRBA deficiency. Last evaluated: 2020-11-03. Review status: criteria provided, single submitter. Criteria: Invitae Variant Classification Sherloc (09022015). Collection method: clinical testing. Allele origin: germline.
Comment: In summary, the available evidence is currently insufficient to determine the role of this variant in disease. Therefore, it has been classified as a Variant of Uncertain Significance. Algorithms developed to predict the effect of missense changes on protein structure and function are either unavailable or do not agree on the potential impact of this missense change (SIFT: "Deleterious"; PolyPhen-2: "Benign"; Align-GVGD: "Class C0"). This variant has not been reported in the literature in individuals with LRBA-related conditions. This variant is not present in population databases (ExAC no frequency). This sequence change replaces threonine with isoleucine at codon 1251 of the LRBA protein (p.Thr1251Ile). The threonine residue is weakly conserved and there is a moderate physicochemical difference between threonine and isoleucine.